The following is an entry in ClinVar:

ClinVar aggregate classification (germline): Benign/Likely benign. Review status: criteria provided, multiple submitters, no conflicts (2 of 4 stars). 4 submissions from 3 submitters: Benign (3); Likely benign (1). Last evaluated 2026-01-06.

Conditions:
Retinitis pigmentosa (RP). Identifiers: Orphanet 791, MedGen C0035334, MeSH D012174, MONDO:0019200, OMIM 268000. Inheritance: Autosomal dominant, autosomal recessive and X linked inheritance.
Leber congenital amaurosis 11 (LCA11). Identifiers: Orphanet 65, MedGen C1840284, MONDO:0013454, OMIM 613837.

Allele frequency attached by ClinVar (database versions not stated): gnomAD exomes 0.00048 and 0.00139; gnomAD 0.00050 and 0.00066; TOPMed 0.00074; ExAC 0.00146; 1000 Genomes Project 0.00260; 1000 Genomes Project 30x 0.00265.
gnomAD v4.1: 826 of 1,613,780 alleles (0.051%); highest among the groups gnomAD compares: East Asian, 1.6%; 8 homozygotes.

Submissions (4):

Labcorp Genetics (formerly Invitae), Labcorp
Classification: Benign. Last evaluated: 2026-01-06. Review status: criteria provided, single submitter. Criteria: Invitae Variant Classification Sherloc (09022015). Collection method: clinical testing. Allele origin: germline.

Illumina Laboratory Services, Illumina
Classification: Benign for Retinitis pigmentosa. Last evaluated: 2018-01-13. Review status: criteria provided, single submitter. Criteria: ICSL Variant Classification Criteria 13 December 2019. Collection method: clinical testing. Allele origin: germline.
Comment: This variant was observed in the ICSL laboratory as part of a predisposition screen in an ostensibly healthy population. It had not been previously curated by ICSL or reported in the Human Gene Mutation Database (HGMD: prior to June 1st, 2018), and was therefore a candidate for classification through an automated scoring system. Utilizing variant allele frequency, disease prevalence and penetrance estimates, and inheritance mode, an automated score was calculated to assess if this variant is too frequent to cause the disease. Based on the score and internal cut-off values, a variant classified as benign is not then subjected to further curation. The score for this variant resulted in a classification of benign for this disease.

Illumina Laboratory Services, Illumina
Classification: Likely benign for Leber congenital amaurosis 11. Last evaluated: 2018-01-13. Review status: criteria provided, single submitter. Criteria: ICSL Variant Classification Criteria 13 December 2019. Collection method: clinical testing. Allele origin: germline.
Comment: This variant was observed in the ICSL laboratory as part of a predisposition screen in an ostensibly healthy population. It had not been previously curated by ICSL or reported in the Human Gene Mutation Database (HGMD: prior to June 1st, 2018), and was therefore a candidate for classification through an automated scoring system. Utilizing variant allele frequency, disease prevalence and penetrance estimates, and inheritance mode, an automated score was calculated to assess if this variant is too frequent to cause the disease. Based on the score and internal cut-off values, a variant classified as likely benign is not then subjected to further curation. The score for this variant resulted in a classification of likely benign for this disease.

Eurofins Ntd Llc (ga)
Classification: Benign. Last evaluated: 2015-02-25. Review status: criteria provided, single submitter. Criteria: EGL Classification Definitions 2015. Collection method: clinical testing. Allele origin: germline. Observed: 1 variant allele, 1 heterozygote.

NM_000883.4(IMPDH1):c.1405+9A>G

Gene: IMPDH1 (inosine monophosphate dehydrogenase 1; minus strand). Cytogenetic location: 7q32.1.
Variant type: single nucleotide variant.
Coding change: c.1405+9A>G on transcript NM_000883.4 (MANE Select); 9 bases into the intron after coding-DNA position 1405, A replaced by G.
Molecular consequence: intron variant.
Genome position (GRCh38, 1-based): chr7:128,395,122, T>C on the plus strand (A>G on the coding strand, the complement: IMPDH1 is on the minus strand). VCF-style: chr7-128395122-T-C. GRCh37 (hg19) VCF-style: chr7-128035176-T-C.
Other names: c.1198+9A>G (NM_001304521.2); c.1297+9A>G (NM_183243.3); c.1375+9A>G (NM_001102605.2); c.1306+9A>G (NM_001142576.2); c.1075+9A>G (NM_001142575.2); c.1135+9A>G (NM_001142574.2); c.1150+9A>G (NM_001142573.2).
Identifiers: ClinVar variation 194186 (VCV000194186.18), dbSNP rs11562030, ClinGen allele CA201019.
Genomic context (GRCh38, chr7:128,395,122, plus strand): 5'-AGCCCACTAGTGCCACCCCCCCAGCTTCCAGCCCTCGCCTGCCCAATCCCCAGCACATTC[T>C]CCCCTCACCTGTGGAGGCTCCAAGGGCCAGGGCCTTGACCACGTGTCCCACGGTCTGGAT-3'